The following is an entry in ClinVar:

NM_005413.4(SIX3):c.164G>A (p.Gly55Glu)

Gene: SIX3 (SIX homeobox 3; plus strand). Cytogenetic location: 2p21.
Variant type: single nucleotide variant.
Coding change: c.164G>A on transcript NM_005413.4 (MANE Select); coding-DNA position 164, G replaced by A.
Protein change: p.Gly55Glu; replaces glycine 55 with glutamic acid.
Molecular consequence: missense variant.
Genome position (GRCh38, 1-based): chr2:44,942,268, G>A. VCF-style: chr2-44942268-G-A. GRCh37 (hg19) VCF-style: chr2-45169407-G-A.
Other names: c.164G>A (NM_005413.3); short protein forms G55E.
Identifiers: ClinVar variation 1349726 (VCV001349726.7), dbSNP rs772677168, ClinGen allele CA1642274.
Genomic context (GRCh38, chr2:44,942,268, plus strand): 5'-GGAACGGTGCGGGAGGCGGCGGCGGCGCGGGAGGCGGCAGCGGCGGCGGGAACGGTGCGG[G>A]AGGCGGCGGTGCTGGCGGAGCAGGCGGCGGCGGCGGCGGCGGCTCCAGGGCCCCCCCGGA-3'
Protein context (NP_005404.1, residues 45-65): GGGSGGGNGA[Gly55Glu]GGGAGGAGGG

ClinVar aggregate classification (germline): Uncertain significance. Review status: criteria provided, multiple submitters, no conflicts (2 of 4 stars). 3 submissions from 3 submitters: Uncertain significance (3). Last evaluated 2025-08-26.

Conditions:
Inborn genetic diseases. Identifiers: MedGen C0950123, MeSH D030342.
Holoprosencephaly 2 (HPE2). Identifiers: Orphanet 2162, MedGen C1834877, MONDO:0007999, OMIM 157170.

Allele frequency attached by ClinVar (database versions not stated): gnomAD exomes 0.00002 and 0.00010; gnomAD 0.00004 and 0.00005; ExAC 0.00005; TOPMed 0.00006.
gnomAD v4.1: 43 of 1,542,778 alleles (0.0028%); highest among the groups gnomAD compares: Admixed American, 0.03%; no homozygotes.

Submissions (3):

Ambry Genetics
Classification: Uncertain significance for Inborn genetic diseases. Last evaluated: 2025-08-26. Review status: criteria provided, single submitter. Criteria: Ambry Variant Classification Scheme 2023. Collection method: clinical testing. Allele origin: germline.

Labcorp Genetics (formerly Invitae), Labcorp
Classification: Uncertain significance for Holoprosencephaly 2. Last evaluated: 2025-08-26. Review status: criteria provided, single submitter. Criteria: Invitae Variant Classification Sherloc (09022015). Collection method: clinical testing. Allele origin: germline.
Comment: This sequence change replaces glycine, which is neutral and non-polar, with glutamic acid, which is acidic and polar, at codon 55 of the SIX3 protein (p.Gly55Glu). This variant is present in population databases (rs772677168, gnomAD 0.04%), and has an allele count higher than expected for a pathogenic variant. This variant has not been reported in the literature in individuals affected with SIX3-related conditions. ClinVar contains an entry for this variant (Variation ID: 1349726). Invitae Evidence Modeling of protein sequence and biophysical properties (such as structural, functional, and spatial information, amino acid conservation, physicochemical variation, residue mobility, and thermodynamic stability) indicates that this missense variant is not expected to disrupt SIX3 protein function with a negative predictive value of 80%. In summary, the available evidence is currently insufficient to determine the role of this variant in disease. Therefore, it has been classified as a Variant of Uncertain Significance.

Women's Health and Genetics/Laboratory Corporation of America, LabCorp
Classification: Uncertain significance. Last evaluated: 2023-10-17. Review status: criteria provided, single submitter. Criteria: LabCorp Variant Classification Summary - May 2015. Collection method: clinical testing. Allele origin: germline.
Comment: Variant summary: SIX3 c.164G>A (p.Gly55Glu) results in a non-conservative amino acid change in the encoded protein sequence. Three of five in-silico tools predict a benign effect of the variant on protein function. The variant allele was found at a frequency of 9.7e-05 in 154390 control chromosomes. This frequency does not allow conclusions about variant significance. To our knowledge, no occurrence of c.164G>A in individuals affected with SIX3-Related Disorders and no experimental evidence demonstrating its impact on protein function have been reported. One submitter has cited clinical-significance assessments for this variant to ClinVar after 2014 and has classified the variant as uncertain significance. Based on the evidence outlined above, the variant was classified as uncertain significance.